The following is an entry in ClinVar:

NM_006421.5(ARFGEF1):c.3956C>G (p.Ser1319Cys)

Gene: ARFGEF1 (ARF guanine nucleotide exchange factor 1; minus strand). Cytogenetic location: 8q13.2.
Variant type: single nucleotide variant.
Coding change: c.3956C>G on transcript NM_006421.5 (MANE Select); coding-DNA position 3956, C replaced by G.
Protein change: p.Ser1319Cys; replaces serine 1319 with cysteine.
Molecular consequence: missense variant. On other transcripts: non-coding transcript variant (1).
Genome position (GRCh38, 1-based): chr8:67,226,144, G>C on the plus strand (C>G on the coding strand, the complement: ARFGEF1 is on the minus strand). VCF-style: chr8-67226144-G-C. GRCh37 (hg19) VCF-style: chr8-68138379-G-C.
Other names: c.3956C>G, p.Ser1319Cys (NM_001413184.1, NM_001413185.1, NM_001413186.1 and 6 more transcripts); c.3356C>G, p.Ser1119Cys (NM_001413188.1, NM_001413193.1, NM_001413197.1); c.3950C>G, p.Ser1317Cys (NM_001413190.1); c.2531C>G, p.Ser844Cys (NM_001413196.1); short protein forms S1319C, S1317C, S1119C, S844C.
Identifiers: ClinVar variation 5029148 (VCV005029148.1).

ClinVar aggregate classification (germline): Uncertain significance (1 of 4 stars; one submission).

Conditions:
Inborn genetic diseases. Identifiers: MedGen C0950123, MeSH D030342.

gnomAD v4.1: 3 of 1,611,164 alleles (0.00019%); highest among the groups gnomAD compares: East Asian, 0.0067%; no homozygotes.

Submission:

Ambry Genetics
Classification: Uncertain significance for Inborn genetic diseases. Last evaluated: 2026-06-17. Review status: criteria provided, single submitter. Criteria: Ambry Variant Classification Scheme 2023. Collection method: clinical testing. Allele origin: germline.
Comment: The c.3956C>G (p.S1319C) alteration is located in exon 28 (coding exon 28) of the ARFGEF1 gene. This alteration results from a C to G substitution at nucleotide position 3956, causing the serine (S) at amino acid position 1319 to be replaced by a cysteine (C). Based on data from gnomAD, the G allele has an overall frequency of <0.001% (1/248918) total alleles studied. The highest observed frequency was 0.006% (1/18198) of East Asian alleles. Based on insufficient or conflicting evidence, the clinical significance of this alteration remains unclear.